The following is an entry in ClinVar:

NM_173630.4(RTTN):c.1305G>C (p.Met435Ile)

Gene: RTTN (rotatin; minus strand). Cytogenetic location: 18q22.2.
Variant type: single nucleotide variant.
Coding change: c.1305G>C on transcript NM_173630.4 (MANE Select); coding-DNA position 1305, G replaced by C.
Protein change: p.Met435Ile; replaces methionine 435 with isoleucine.
Molecular consequence: missense variant. On other transcripts: 5 prime UTR variant (1).
Genome position (GRCh38, 1-based): chr18:70,188,108, C>G on the plus strand (G>C on the coding strand, the complement: RTTN is on the minus strand). VCF-style: chr18-70188108-C-G. GRCh37 (hg19) VCF-style: chr18-67855344-C-G.
Other names: c.-1249G>C (NM_001318520.2); short protein forms M435I.
Identifiers: ClinVar variation 1474094 (VCV001474094.7), dbSNP rs769538499, ClinGen allele CA8996224.

ClinVar aggregate classification (germline): Conflicting classifications of pathogenicity. Review status: criteria provided, conflicting classifications (1 of 4 stars). 3 submissions from 3 submitters: Uncertain significance (2); Likely benign (1). Last evaluated 2024-12-16.

Conditions:
Microcephalic primordial dwarfism due to RTTN deficiency (MSSP). Also called: MICROCEPHALY, SHORT STATURE, AND POLYMICROGYRIA; Microcephaly, short stature, and polymicrogyria with or without seizures. Identifiers: Orphanet 468631, MedGen C3553831, MONDO:0018764, OMIM 614833.

Allele frequency attached by ClinVar (database versions not stated): TOPMed 0.00001; ExAC 0.00003; gnomAD 0.00002; gnomAD exomes 0.00002.
gnomAD v4.1: 26 of 1,542,194 alleles (0.0017%); highest among the groups gnomAD compares: Middle Eastern, 0.035%; no homozygotes.

Submissions (3):

Labcorp Genetics (formerly Invitae), Labcorp
Classification: Uncertain significance. Last evaluated: 2024-12-16. Review status: criteria provided, single submitter. Criteria: Invitae Variant Classification Sherloc (09022015). Collection method: clinical testing. Allele origin: germline.
Comment: This sequence change replaces methionine, which is neutral and non-polar, with isoleucine, which is neutral and non-polar, at codon 435 of the RTTN protein (p.Met435Ile). This variant also falls at the last nucleotide of exon 10, which is part of the consensus splice site for this exon. This variant is present in population databases (rs769538499, gnomAD 0.004%). This variant has not been reported in the literature in individuals affected with RTTN-related conditions. ClinVar contains an entry for this variant (Variation ID: 1474094). An algorithm developed to predict the effect of missense changes on protein structure and function (PolyPhen-2) suggests that this variant¬†is likely to be tolerated. Variants that disrupt the consensus splice site are a relatively common cause of aberrant splicing (PMID: 17576681, 9536098). Algorithms developed to predict the effect of sequence changes on RNA splicing suggest that this variant may disrupt the consensus splice site. In summary, the available evidence is currently insufficient to determine the role of this variant in disease. Therefore, it has been classified as a Variant of Uncertain Significance.

3billion
Classification: Likely benign for Microcephalic primordial dwarfism due to RTTN deficiency. Last evaluated: 2024-09-20. Review status: criteria provided, single submitter. Criteria: ACMG Guidelines, 2015. Collection method: clinical testing. Allele origin: germline. Affected: no.
Comment: The homozygous variant was found in patients diagnosed with another variant in a different gene, with no symptoms related to the gene containing the homozygous variant.

GeneDx
Classification: Uncertain significance. Last evaluated: 2022-06-06. Review status: criteria provided, single submitter. Criteria: GeneDx Variant Classification Process June 2021. Collection method: clinical testing. Allele origin: germline. Affected: yes.
Comment: Not observed at significant frequency in large population cohorts (gnomAD); In silico analysis supports that this missense variant does not alter protein structure/function; Has not been previously published as pathogenic or benign to our knowledge; In silico analysis, which includes splice predictors and evolutionary conservation, suggests this variant may impact gene splicing. In the absence of RNA/functional studies, the actual effect of this sequence change is unknown.

Literature cited by the submitters: PubMed 17576681 (cited by Labcorp Genetics (formerly Invitae), Labcorp); PubMed 9536098 (cited by Labcorp Genetics (formerly Invitae), Labcorp).